The following is an entry in ClinVar:

ClinVar aggregate classification (germline): Uncertain significance. Review status: criteria provided, multiple submitters, no conflicts (2 of 4 stars). 2 submissions from 2 submitters: Uncertain significance (2). Last evaluated 2024-02-17.

Allele frequency attached by ClinVar (database versions not stated): gnomAD 0.00002; gnomAD exomes 0.00002 and 0.00003; ExAC 0.00003.
gnomAD v4.1: 16 of 1,613,950 alleles (0.00099%); highest among the groups gnomAD compares: Non-Finnish European, 0.00017%; no homozygotes.

Submissions (2):

Labcorp Genetics (formerly Invitae), Labcorp
Classification: Uncertain significance. Last evaluated: 2024-02-17. Review status: criteria provided, single submitter. Criteria: Invitae Variant Classification Sherloc (09022015). Collection method: clinical testing. Allele origin: germline.
Comment: This sequence change replaces glutamic acid, which is acidic and polar, with lysine, which is basic and polar, at codon 381 of the RIPK1 protein (p.Glu381Lys). This variant is present in population databases (rs776186590, gnomAD 0.02%). This variant has not been reported in the literature in individuals affected with RIPK1-related conditions. ClinVar contains an entry for this variant (Variation ID: 1416163). An algorithm developed to predict the effect of missense changes on protein structure and function (PolyPhen-2) suggests that this variant is likely to be disruptive. In summary, the available evidence is currently insufficient to determine the role of this variant in disease. Therefore, it has been classified as a Variant of Uncertain Significance.

CeGaT Center for Human Genetics Tuebingen
Classification: Uncertain significance. Last evaluated: 2024-02-01. Review status: criteria provided, single submitter. Criteria: CeGaT Center For Human Genetics Tuebingen Variant Classification Criteria Version 2. Collection method: clinical testing. Allele origin: germline. Affected: yes. Observed: 1 variant allele.
Comment: RIPK1: PM2

NM_001354930.2(RIPK1):c.1141G>A (p.Glu381Lys)

Gene: RIPK1 (receptor interacting serine/threonine kinase 1; plus strand). Cytogenetic location: 6p25.2.
Variant type: single nucleotide variant.
Coding change: c.1141G>A on transcript NM_001354930.2 (MANE Select); coding-DNA position 1141, G replaced by A.
Protein change: p.Glu381Lys; replaces glutamic acid 381 with lysine.
Molecular consequence: missense variant.
Genome position (GRCh38, 1-based): chr6:3,105,616, G>A. VCF-style: chr6-3105616-G-A. GRCh37 (hg19) VCF-style: chr6-3105850-G-A.
Other names: c.652G>A, p.Glu218Lys (NM_001317061.3, NM_001354932.2, NM_001354933.2 and 1 more transcripts); c.1003G>A, p.Glu335Lys (NM_001354931.2); c.1141G>A, p.Glu381Lys (NM_003804.6); short protein forms E335K, E218K, E381K.
Identifiers: ClinVar variation 1416163 (VCV001416163.28), dbSNP rs776186590, ClinGen allele CA3618387.